The following is an entry in ClinVar:

NM_001122681.2(SH3BP2):c.1061C>T (p.Ala354Val)

Gene: SH3BP2 (SH3 domain binding protein 2; plus strand). Cytogenetic location: 4p16.3.
Variant type: single nucleotide variant.
Coding change: c.1061C>T on transcript NM_001122681.2 (MANE Select); coding-DNA position 1061, C replaced by T.
Protein change: p.Ala354Val; replaces alanine 354 with valine.
Molecular consequence: missense variant.
Genome position (GRCh38, 1-based): chr4:2,829,967, C>T. VCF-style: chr4-2829967-C-T. GRCh37 (hg19) VCF-style: chr4-2831694-C-T.
Other names: p.Ala354Val; c.1145C>T, p.Ala382Val (NM_001145855.2); c.1232C>T, p.Ala411Val (NM_001145856.2); c.1061C>T, p.Ala354Val (NM_003023.4); short protein forms A411V, A354V, A382V.
Identifiers: ClinVar variation 1493854 (VCV001493854.9), dbSNP rs1016515984, ClinGen allele CA91411512.

ClinVar aggregate classification (germline): Uncertain significance. Review status: criteria provided, multiple submitters, no conflicts (2 of 4 stars). 2 submissions from 2 submitters: Uncertain significance (2). Last evaluated 2025-01-29.

Conditions:
Fibrous dysplasia of jaw (CRBM). Also called: Cherubism. Identifiers: Orphanet 184, MedGen C0008029, MONDO:0007315, OMIM 118400.

Allele frequency attached by ClinVar (database versions not stated): TOPMed below 0.00001.
gnomAD v4.1: 22 of 1,613,502 alleles (0.0014%); highest among the groups gnomAD compares: Non-Finnish European, 0.0019%; no homozygotes.

Submissions (2):

Labcorp Genetics (formerly Invitae), Labcorp
Classification: Uncertain significance for Fibrous dysplasia of jaw. Last evaluated: 2025-01-29. Review status: criteria provided, single submitter. Criteria: Invitae Variant Classification Sherloc (09022015). Collection method: clinical testing. Allele origin: germline.
Comment: This sequence change replaces alanine, which is neutral and non-polar, with valine, which is neutral and non-polar, at codon 354 of the SH3BP2 protein (p.Ala354Val). This variant is not present in population databases (gnomAD no frequency). This variant has not been reported in the literature in individuals affected with SH3BP2-related conditions. ClinVar contains an entry for this variant (Variation ID: 1493854). Invitae Evidence Modeling of protein sequence and biophysical properties (such as structural, functional, and spatial information, amino acid conservation, physicochemical variation, residue mobility, and thermodynamic stability) indicates that this missense variant is not expected to disrupt SH3BP2 protein function with a negative predictive value of 80%. In summary, the available evidence is currently insufficient to determine the role of this variant in disease. Therefore, it has been classified as a Variant of Uncertain Significance.

Mayo Clinic Laboratories, Mayo Clinic
Classification: Uncertain significance. Last evaluated: 2023-02-24. Review status: criteria provided, single submitter. Criteria: ACMG Guidelines, 2015. Collection method: clinical testing. Allele origin: germline. Observed: 1 variant allele.
Comment: BP4_strong, PM2_supporting